The following is an entry in ClinVar:

ClinVar aggregate classification (germline): Uncertain significance (0 of 4 stars; one submission).

Allele frequency attached by ClinVar (database versions not stated): gnomAD exomes 0.00025 and 0.00066; gnomAD 0.00027 and 0.00029; ExAC 0.00030; TOPMed 0.00032; ESP Exome Variant Server 0.00040.
gnomAD v4.1: 1,027 of 1,606,150 alleles (0.064%); highest among the groups gnomAD compares: Non-Finnish European, 0.081%; 1 homozygote.

Submission:

Department of Pathology and Laboratory Medicine, Sinai Health System
Classification: Uncertain significance. Review status: no assertion criteria provided. Collection method: clinical testing. Allele origin: unknown. Affected: yes. Study: The Canadian Open Genetics Repository (COGR).
Comment: The ZFAT p.Glu136Gln variant was not identified in the literature nor was it identified in ClinVar. The variant was identified in dbSNP (ID: rs202134657). The variant was identified in control databases in 69 of 280166 chromosomes at a frequency of 0.0002463 (Genome Aggregation Database March 6, 2019, v2.1.1). The variant was observed in the following populations: European (non-Finnish) in 65 of 128204 chromosomes (freq: 0.000507), Other in 1 of 7122 chromosomes (freq: 0.00014), African in 2 of 24196 chromosomes (freq: 0.000083), European (Finnish) in 1 of 25000 chromosomes (freq: 0.00004), but was not observed in the Latino, Ashkenazi Jewish, East Asian, or South Asian populations. The p.Glu136 residue is not conserved in mammals and computational analyses (PolyPhen-2, SIFT, AlignGVGD, BLOSUM, MutationTaster) do not suggest a high likelihood of impact to the protein; however, this information is not predictive enough to rule out pathogenicity. The variant occurs outside of the splicing consensus sequence and in silico or computational prediction software programs (SpliceSiteFinder, MaxEntScan, NNSPLICE, GeneSplicer) do not predict a difference in splicing. In summary, based on the above information the clinical significance of this variant cannot be determined with certainty at this time. This variant is classified as a variant of uncertain significance.

NM_020863.4(ZFAT):c.442G>C (p.Glu148Gln)

Gene: ZFAT (zinc finger and AT-hook domain containing; minus strand). Cytogenetic location: 8q24.22.
Variant type: single nucleotide variant.
Coding change: c.442G>C on transcript NM_020863.4 (MANE Select); coding-DNA position 442, G replaced by C.
Protein change: p.Glu148Gln; replaces glutamic acid 148 with glutamine.
Molecular consequence: missense variant. On other transcripts: non-coding transcript variant (1).
Genome position (GRCh38, 1-based): chr8:134,637,467, C>G on the plus strand (G>C on the coding strand, the complement: ZFAT is on the minus strand). VCF-style: chr8-134637467-C-G. GRCh37 (hg19) VCF-style: chr8-135649710-C-G.
Other names: c.406G>C, p.Glu136Gln (NM_001029939.4, NM_001167583.3, NM_001174158.2 and 1 more transcripts); c.442G>C, p.Glu148Gln (NM_001174157.2); short protein forms E136Q, E148Q.
Identifiers: ClinVar variation 1050314 (VCV001050314.1), dbSNP rs202134657, ClinGen allele CA4888273.